The following is an entry in ClinVar:

GRCh37/hg19 Xp11.3-11.23(chrX:43507300-48929622)

Genes: ZNF674 (zinc finger protein 674; minus strand), ZNF81 (zinc finger protein 81; plus strand), ARAF (A-Raf proto-oncogene, serine/threonine kinase; plus strand), CCDC120 (coiled-coil domain containing 120; plus strand), CDK16 (cyclin dependent kinase 16; plus strand) and 61 more. Cytogenetic location: Xp11.3-11.23.
Variant type: copy number gain.
Identifiers: ClinVar variation 625640 (VCV000625640.1).

ClinVar aggregate classification (germline): Pathogenic (1 of 4 stars; one submission).

Submission:

Baylor Genetics
Classification: Pathogenic. Last evaluated: 2018-11-01. Review status: criteria provided, single submitter. Criteria: ACMG CNV Guidelines, 2011. Collection method: clinical testing. Allele origin: de novo. Observed: 1 variant allele.